The following is an entry in ClinVar:

ClinVar aggregate classification (germline): Pathogenic (1 of 4 stars; one submission).

Conditions:
Primary ciliary dyskinesia. Also called: Ciliary dyskinesia. Identifiers: Orphanet 244, MedGen C0008780, MONDO:0016575, HP:0012265.

gnomAD v4.1: 2 of 1,613,966 alleles (0.00012%); highest among the groups gnomAD compares: Admixed American, 0.0033%; no homozygotes.

Submission:

Labcorp Genetics (formerly Invitae), Labcorp
Classification: Pathogenic for Primary ciliary dyskinesia. Last evaluated: 2025-03-24. Review status: criteria provided, single submitter. Criteria: Invitae Variant Classification Sherloc (09022015). Collection method: clinical testing. Allele origin: germline.
Comment: This sequence change creates a premature translational stop signal (p.Lys133*) in the DRC1 gene. It is expected to result in an absent or disrupted protein product. Loss-of-function variants in DRC1 are known to be pathogenic (PMID: 23354437, 31960620). This variant is present in population databases (rs764831596, gnomAD 0.003%). This variant has not been reported in the literature in individuals affected with DRC1-related conditions. Algorithms developed to predict the effect of sequence changes on RNA splicing suggest that this variant may disrupt the consensus splice site. For these reasons, this variant has been classified as Pathogenic.

Literature cited by the submitters: PubMed 23354437; PubMed 31960620.

NM_145038.5(DRC1):c.397A>T (p.Lys133Ter)

Gene: DRC1 (dynein regulatory complex subunit 1; plus strand). Cytogenetic location: 2p23.3.
Variant type: single nucleotide variant.
Coding change: c.397A>T on transcript NM_145038.5 (MANE Select); coding-DNA position 397, A replaced by T.
Protein change: p.Lys133Ter; replaces lysine 133 with a stop codon.
Molecular consequence: nonsense.
Genome position (GRCh38, 1-based): chr2:26,424,311, A>T. VCF-style: chr2-26424311-A-T. GRCh37 (hg19) VCF-style: chr2-26647179-A-T.
Other names: short protein forms K133*.
Identifiers: ClinVar variation 4709376 (VCV004709376.1).